The following is an entry in ClinVar:

ClinVar aggregate classification (germline): Uncertain significance (1 of 4 stars; one submission).

Conditions:
Inborn genetic diseases. Identifiers: MedGen C0950123, MeSH D030342.

Submission:

Ambry Genetics
Classification: Uncertain significance for Inborn genetic diseases. Last evaluated: 2024-10-25. Review status: criteria provided, single submitter. Criteria: Ambry Variant Classification Scheme 2023. Collection method: clinical testing. Allele origin: germline.
Comment: The p.L438P variant (also known as c.1313T>C), located in coding exon 5 of the ATR gene, results from a T to C substitution at nucleotide position 1313. The leucine at codon 438 is replaced by proline, an amino acid with similar properties. This amino acid position is conserved. In addition, this alteration is predicted to be tolerated by in silico analysis. Based on the available evidence, the clinical significance of this variant remains unclear.

NM_001184.4(ATR):c.1313T>C (p.Leu438Pro)

Gene: ATR (ATR serine/threonine kinase; minus strand). Cytogenetic location: 3q23.
Variant type: single nucleotide variant.
Coding change: c.1313T>C on transcript NM_001184.4 (MANE Select); coding-DNA position 1313, T replaced by C.
Protein change: p.Leu438Pro; replaces leucine 438 with proline.
Molecular consequence: missense variant.
Genome position (GRCh38, 1-based): chr3:142,561,279, A>G on the plus strand (T>C on the coding strand, the complement: ATR is on the minus strand). VCF-style: chr3-142561279-A-G. GRCh37 (hg19) VCF-style: chr3-142280121-A-G.
Other names: c.1313T>C, p.Leu438Pro (NM_001354579.2); short protein forms L438P.
Identifiers: ClinVar variation 3463212 (VCV003463212.1).